The following is an entry in ClinVar:

NM_001440.4(EXTL3):c.2458G>A (p.Ala820Thr)

Gene: EXTL3 (exostosin like glycosyltransferase 3; plus strand). Cytogenetic location: 8p21.1.
Variant type: single nucleotide variant.
Coding change: c.2458G>A on transcript NM_001440.4 (MANE Select); coding-DNA position 2458, G replaced by A.
Protein change: p.Ala820Thr; replaces alanine 820 with threonine.
Molecular consequence: missense variant. On other transcripts: non-coding transcript variant (1).
Genome position (GRCh38, 1-based): chr8:28,743,122, G>A. VCF-style: chr8-28743122-G-A. GRCh37 (hg19) VCF-style: chr8-28600639-G-A.
Other names: c.2458G>A (NM_001440.2); short protein forms A820T.
Identifiers: ClinVar variation 1476463 (VCV001476463.6), dbSNP rs767241080, ClinGen allele CA4696435.
Genomic context (GRCh38, chr8:28,743,122, plus strand): 5'-TGGTTCTTTTTCTTCCCCTGACAGTATTATGCCTACCTGTATTCTTATGTGATGCCCCAG[G>A]CCATCCGGGACATGGTGGATGAATACATCAACTGTGAGGACATTGCCATGAACTTCCTTG-3'
Protein context (NP_001431.1, residues 810-830): AYLYSYVMPQ[Ala820Thr]IRDMVDEYIN

ClinVar aggregate classification (germline): Uncertain significance. Review status: criteria provided, multiple submitters, no conflicts (2 of 4 stars). 2 submissions from 2 submitters: Uncertain significance (2). Last evaluated 2025-10-29.

Conditions:
Inborn genetic diseases. Identifiers: MedGen C0950123, MeSH D030342.

Allele frequency attached by ClinVar (database versions not stated): ExAC 0.00005; gnomAD 0.00004; gnomAD exomes 0.00004; TOPMed 0.00003.
gnomAD v4.1: 62 of 1,613,984 alleles (0.0038%); highest among the groups gnomAD compares: Non-Finnish European, 0.005%; no homozygotes.

Submissions (2):

Ambry Genetics
Classification: Uncertain significance for Inborn genetic diseases. Last evaluated: 2025-10-29. Review status: criteria provided, single submitter. Criteria: Ambry Variant Classification Scheme 2023. Collection method: clinical testing. Allele origin: germline.

Labcorp Genetics (formerly Invitae), Labcorp
Classification: Uncertain significance. Last evaluated: 2024-12-02. Review status: criteria provided, single submitter. Criteria: Invitae Variant Classification Sherloc (09022015). Collection method: clinical testing. Allele origin: germline.
Comment: This sequence change replaces alanine, which is neutral and non-polar, with threonine, which is neutral and polar, at codon 820 of the EXTL3 protein (p.Ala820Thr). This variant is present in population databases (rs767241080, gnomAD 0.008%). This variant has not been reported in the literature in individuals affected with EXTL3-related conditions. ClinVar contains an entry for this variant (Variation ID: 1476463). Invitae Evidence Modeling of protein sequence and biophysical properties (such as structural, functional, and spatial information, amino acid conservation, physicochemical variation, residue mobility, and thermodynamic stability) indicates that this missense variant is not expected to disrupt EXTL3 protein function with a negative predictive value of 80%. In summary, the available evidence is currently insufficient to determine the role of this variant in disease. Therefore, it has been classified as a Variant of Uncertain Significance.